The following is an entry in ClinVar:

ClinVar aggregate classification (germline): Conflicting classifications of pathogenicity. Review status: criteria provided, conflicting classifications (1 of 4 stars). 4 submissions from 4 submitters: Uncertain significance (3); Likely benign (1). Last evaluated 2025-08-06.

Conditions:
Hereditary cancer-predisposing syndrome. Also called: Hereditary neoplastic syndrome; Hereditary Cancer Syndrome; Tumor predisposition; Neoplastic Syndromes, Hereditary. Identifiers: Orphanet 140162, MedGen C0027672, MeSH D009386, MONDO:0015356.

Allele frequency attached by ClinVar (database versions not stated): gnomAD exomes below 0.00001; ExAC 0.00001; gnomAD 0.00001.

Submissions (4):

Labcorp Genetics (formerly Invitae), Labcorp
Classification: Uncertain significance. Last evaluated: 2025-08-06. Review status: criteria provided, single submitter. Criteria: Invitae Variant Classification Sherloc (09022015). Collection method: clinical testing. Allele origin: germline.
Comment: This sequence change replaces valine, which is neutral and non-polar, with methionine, which is neutral and non-polar, at codon 891 of the CTNNA1 protein (p.Val891Met). This variant is present in population databases (rs771903880, gnomAD 0.007%). This variant has not been reported in the literature in individuals affected with CTNNA1-related conditions. ClinVar contains an entry for this variant (Variation ID: 644891). Invitae Evidence Modeling of protein sequence and biophysical properties (such as structural, functional, and spatial information, amino acid conservation, physicochemical variation, residue mobility, and thermodynamic stability) indicates that this missense variant is not expected to disrupt CTNNA1 protein function with a negative predictive value of 80%. In summary, the available evidence is currently insufficient to determine the role of this variant in disease. Therefore, it has been classified as a Variant of Uncertain Significance.

Ambry Genetics
Classification: Likely benign for Hereditary cancer-predisposing syndrome. Last evaluated: 2024-08-06. Review status: criteria provided, single submitter. Criteria: Ambry Variant Classification Scheme 2023. Collection method: clinical testing. Allele origin: germline.

GeneDx
Classification: Uncertain significance. Last evaluated: 2024-07-12. Review status: criteria provided, single submitter. Criteria: GeneDx Variant Classification Process June 2021. Collection method: clinical testing. Allele origin: germline. Affected: yes.
Comment: Not observed at significant frequency in large population cohorts (gnomAD); In silico analysis indicates that this missense variant does not alter protein structure/function; Observed in individuals undergoing multi-gene panel testing (PMID: 32051609); This variant is associated with the following publications: (PMID: 32051609)

Blueprint Genetics
Classification: Uncertain significance. Last evaluated: 2021-09-21. Review status: criteria provided, single submitter. Criteria: ACMG Guidelines, 2015. Collection method: clinical testing. Allele origin: germline.

NM_001903.5(CTNNA1):c.2671G>A (p.Val891Met)

Gene: CTNNA1 (catenin alpha 1; plus strand). Cytogenetic location: 5q31.2.
Variant type: single nucleotide variant.
Coding change: c.2671G>A on transcript NM_001903.5 (MANE Select); coding-DNA position 2671, G replaced by A.
Protein change: p.Val891Met; replaces valine 891 with methionine.
Molecular consequence: missense variant. On other transcripts: 3 prime UTR variant (5).
Genome position (GRCh38, 1-based): chr5:138,934,039, G>A. VCF-style: chr5-138934039-G-A. GRCh37 (hg19) VCF-style: chr5-138269728-G-A.
Other names: c.*216G>A (NM_001290307.3, NM_001324002.1, NM_001324003.1 and 2 more transcripts); c.2362G>A, p.Val788Met (NM_001290309.3); c.2302G>A, p.Val768Met (NM_001290310.3); c.1561G>A, p.Val521Met (NM_001290312.1, NM_001323987.1, NM_001323988.1 and 12 more transcripts); c.2671G>A, p.Val891Met (NM_001323982.2, NM_001323983.1, NM_001323984.2); c.2644G>A, p.Val882Met (NM_001323985.2); c.2578G>A, p.Val860Met (NM_001323986.2); c.1426G>A, p.Val476Met (NM_001324001.1); and 3 more; short protein forms V476M, V882M, V521M, V860M, V891M, V440M, V490M, V408M.
Identifiers: ClinVar variation 644891 (VCV000644891.16), dbSNP rs771903880, ClinGen allele CA3432279.